The following is an entry in ClinVar:

ClinVar aggregate classification (germline): Conflicting classifications of pathogenicity. Review status: criteria provided, conflicting classifications (1 of 4 stars). 2 submissions from 2 submitters: Uncertain significance (1); Likely benign (1). Last evaluated 2025-04-29.

Conditions:
Cardiovascular phenotype. Identifiers: MedGen CN230736.
Anterior segment dysgenesis. Also called: Ocular anterior segment dysgenesis. Identifiers: Orphanet 88632, MedGen C1862839, MONDO:0019503, HP:0007700.
Congenital primary aphakia. Also called: ANTERIOR SEGMENT DYSGENESIS 2; Anterior segment dysgenesis 2, multiple subtypes. Identifiers: Orphanet 83461, MedGen C1853230, MONDO:0012456, OMIM 610256.

Allele frequency attached by ClinVar (database versions not stated): gnomAD exomes below 0.00001; ExAC 0.00003.
gnomAD v4.1: 1 of 1,575,698 alleles (0.000063%); highest among the groups gnomAD compares: Admixed American, 0.0018%; no homozygotes.

Submissions (2):

Labcorp Genetics (formerly Invitae), Labcorp
Classification: Uncertain significance for Anterior segment dysgenesis; Congenital primary aphakia. Last evaluated: 2025-04-29. Review status: criteria provided, single submitter. Criteria: Invitae Variant Classification Sherloc (09022015). Collection method: clinical testing. Allele origin: germline.
Comment: This sequence change affects codon 166 of the FOXE3 mRNA. It is a 'silent' change, meaning that it does not change the encoded amino acid sequence of the FOXE3 protein. The frequency data for this variant in the population databases is considered unreliable, as metrics indicate poor data quality at this position in the gnomAD database. This variant has not been reported in the literature in individuals affected with FOXE3-related conditions. ClinVar contains an entry for this variant (Variation ID: 1744562). In summary, the available evidence is currently insufficient to determine the role of this variant in disease. Therefore, it has been classified as a Variant of Uncertain Significance.

Ambry Genetics
Classification: Likely benign for Cardiovascular phenotype. Last evaluated: 2022-05-09. Review status: criteria provided, single submitter. Criteria: Ambry Variant Classification Scheme 2023. Collection method: clinical testing. Allele origin: germline.

NM_012186.3(FOXE3):c.498C>A (p.Arg166=)

Genes: LINC01389 (long independently transcribed non-coding RNA 1389; minus strand), FOXE3 (forkhead box E3; plus strand). Cytogenetic location: 1p33.
Variant type: single nucleotide variant.
Coding change: c.498C>A on transcript NM_012186.3 (MANE Select); coding-DNA position 498, C replaced by A.
Protein change: p.Arg166=; no amino-acid change (arginine 166 retained).
Molecular consequence: synonymous variant.
Genome position (GRCh38, 1-based): chr1:47,416,813, C>A. VCF-style: chr1-47416813-C-A. GRCh37 (hg19) VCF-style: chr1-47882485-C-A.
Identifiers: ClinVar variation 1744562 (VCV001744562.5), dbSNP rs747040897, ClinGen allele CA842984.